The following is an entry in ClinVar:

NM_002839.4(PTPRD):c.2886C>T (p.Asn962=)

Genes: PTPRD (protein tyrosine phosphatase receptor type D; minus strand), LOC126860578 (MED14-independent group 3 enhancer GRCh37_chr9:8485393-8486592; plus strand). Cytogenetic location: 9p24.1.
Variant type: single nucleotide variant.
Coding change: c.2886C>T on transcript NM_002839.4 (MANE Select); coding-DNA position 2886, C replaced by T.
Protein change: p.Asn962=; no amino-acid change (asparagine 962 retained).
Molecular consequence: synonymous variant. On other transcripts: intron variant (7).
Genome position (GRCh38, 1-based): chr9:8,485,931, G>A on the plus strand (C>T on the coding strand, the complement: PTPRD is on the minus strand). VCF-style: chr9-8485931-G-A. GRCh37 (hg19) VCF-style: chr9-8485931-G-A.
Other names: c.2886C>T, p.Asn962= (NM_001377958.1, NM_001378058.1); c.1793-607C>T (NM_001171025.2); c.1805-607C>T (NM_001377946.1); c.1814-604C>T (NM_001377947.1); c.1823-607C>T (NM_130391.4, NM_130392.3); c.1814-607C>T (NM_001040712.2); c.1805-604C>T (NM_130393.3).
Identifiers: ClinVar variation 3050497 (VCV003050497.2), dbSNP rs370343083, ClinGen allele CA4983989.

ClinVar aggregate classification (germline): Likely benign (0 of 4 stars; one submission).

Conditions:
PTPRD-related disorder. Also called: PTPRD-related condition.

Allele frequency attached by ClinVar (database versions not stated): gnomAD exomes 0.00014; TOPMed 0.00024; gnomAD 0.00031; ExAC 0.00051; 1000 Genomes Project 30x 0.00125; 1000 Genomes Project 0.00140.
gnomAD v4.1: 277 of 1,614,200 alleles (0.017%); highest among the groups gnomAD compares: East Asian, 0.38%; no homozygotes.

Submission:

PreventionGenetics, part of Exact Sciences
Classification: Likely benign for PTPRD-related condition. Last evaluated: 2019-07-12. Review status: no assertion criteria provided. Collection method: clinical testing. Allele origin: germline.
Comment: This variant is classified as likely benign based on ACMG/AMP sequence variant interpretation guidelines (Richards et al. 2015 PMID: 25741868, with internal and published modifications).